The following is an entry in ClinVar:

ClinVar aggregate classification (germline): Likely benign (1 of 4 stars; one submission).

gnomAD v4.1: 309 of 1,614,132 alleles (0.019%); highest among the groups gnomAD compares: South Asian, 0.25%; no homozygotes.

Submission:

CeGaT Center for Human Genetics Tuebingen
Classification: Likely benign. Last evaluated: 2026-01-01. Review status: criteria provided, single submitter. Criteria: CeGaT Center For Human Genetics Tuebingen Variant Classification Criteria Version 2. Collection method: clinical testing. Allele origin: germline. Affected: yes. Observed: 1 variant allele.
Comment: RBBP5: BP4, BP7

NM_005057.4(RBBP5):c.813C>G (p.Ala271=)

Gene: RBBP5 (RB binding protein 5, histone lysine methyltransferase complex subunit; minus strand). Cytogenetic location: 1q32.1.
Variant type: single nucleotide variant.
Coding change: c.813C>G on transcript NM_005057.4 (MANE Select); coding-DNA position 813, C replaced by G.
Protein change: p.Ala271=; no amino-acid change (alanine 271 retained).
Molecular consequence: synonymous variant.
Genome position (GRCh38, 1-based): chr1:205,100,004, G>C on the plus strand (C>G on the coding strand, the complement: RBBP5 is on the minus strand). VCF-style: chr1-205100004-G-C. GRCh37 (hg19) VCF-style: chr1-205069132-G-C.
Other names: c.813C>G, p.Ala271= (NM_001193272.2); c.432C>G, p.Ala144= (NM_001193273.2).
Identifiers: ClinVar variation 4821348 (VCV004821348.4).